The following is an entry in ClinVar:

ClinVar aggregate classification (germline): Uncertain significance. Review status: criteria provided, multiple submitters, no conflicts (2 of 4 stars). 5 submissions from 5 submitters: Uncertain significance (5). Last evaluated 2024-11-04.

Conditions:
Primary dilated cardiomyopathy (DCM). Also called: Dilated Cardiomyopathy. Identifiers: Orphanet 217604, MedGen C0007193, MeSH D002311, MONDO:0005021, HP:0001644. Inheritance: Various modes of inheritance.
Charcot-Marie-Tooth disease. Also called: Charcot-Marie-Tooth Neuropathy; Charcot-Marie-Tooth Hereditary Neuropathy. Identifiers: Orphanet 166, MedGen C0007959, MONDO:0015626.
Charcot-Marie-Tooth disease type 2. Also called: Charcot-Marie-Tooth type 2. Identifiers: Orphanet 64746, MedGen C0270914, MONDO:0018993.
Cardiomyopathy (CMYO). Also called: Cardiomyopathies. Identifiers: Orphanet 167848, MedGen C0878544, MONDO:0004994, HP:0001638. Inheritance: Various modes of inheritance.

Allele frequency attached by ClinVar (database versions not stated): gnomAD exomes 0.00001; TOPMed 0.00001; ExAC 0.00001; gnomAD 0.00001.
gnomAD v4.1: 5 of 1,613,324 alleles (0.00031%); highest among the groups gnomAD compares: Admixed American, 0.005%; no homozygotes.

Submissions (5):

Revvity Omics, Revvity
Classification: Uncertain significance. Last evaluated: 2024-11-04. Review status: criteria provided, single submitter. Criteria: ACMG Guidelines, 2015. Collection method: clinical testing. Allele origin: germline.

All of Us Research Program, National Institutes of Health
Classification: Uncertain significance for Primary dilated cardiomyopathy. Last evaluated: 2024-08-29. Review status: criteria provided, single submitter. Criteria: ACMG Guidelines, 2015. Collection method: clinical testing. Allele origin: germline. Inheritance: Autosomal dominant inheritance. Observed: 5 variant alleles, 5 heterozygotes.
Comment: This missense variant replaces arginine with glutamine at codon 654 of the lamin A protein. Computational prediction suggests that this variant may not impact protein structure and function (internally defined REVEL score threshold <= 0.5, PMID: 27666373). Splice site prediction tools suggest that this variant may not impact RNA splicing. To our knowledge, functional studies have not been performed for this variant. This variant has not been reported in individuals affected with cardiovascular disorders in the literature. This variant has been identified in 3/246770 chromosomes in the general population by the Genome Aggregation Database (gnomAD). The available evidence is insufficient to determine the role of this variant in disease conclusively. Therefore, this variant is classified as a Variant of Uncertain Significance.

This study involves interpretation of variants in research participants for the purpose of population health screening. Participant phenotype was not available at the time of variant classification. Additional details can be found in publication PMID: 35346344, PMCID: PMC8962531

Color Diagnostics, LLC DBA Color Health
Classification: Uncertain significance for Cardiomyopathy. Last evaluated: 2024-03-21. Review status: criteria provided, single submitter. Criteria: ACMG Guidelines, 2015. Collection method: clinical testing. Allele origin: germline.
Comment: This missense variant replaces arginine with glutamine at codon 654 of the LMNA protein. Computational prediction tools indicate that this variant has a neutral impact on protein structure and function. To our knowledge, functional studies have not been reported for this variant. This variant has not been reported in individuals affected with LMNA-related disorders in the literature. This variant has been identified in 3/246770 chromosomes in the general population by the Genome Aggregation Database (gnomAD). The available evidence is insufficient to determine the role of this variant in disease conclusively. Therefore, this variant is classified as a Variant of Uncertain Significance.

Labcorp Genetics (formerly Invitae), Labcorp
Classification: Uncertain significance for Charcot-Marie-Tooth disease type 2. Last evaluated: 2022-07-11. Review status: criteria provided, single submitter. Criteria: Invitae Variant Classification Sherloc (09022015). Collection method: clinical testing. Allele origin: germline.
Comment: This sequence change replaces arginine, which is basic and polar, with glutamine, which is neutral and polar, at codon 654 of the LMNA protein (p.Arg654Gln). This variant is present in population databases (rs768986279, gnomAD 0.006%). This variant has not been reported in the literature in individuals affected with LMNA-related conditions. ClinVar contains an entry for this variant (Variation ID: 916766). Algorithms developed to predict the effect of missense changes on protein structure and function are either unavailable or do not agree on the potential impact of this missense change (SIFT: "Deleterious"; PolyPhen-2: "Possibly Damaging"; Align-GVGD: "Class C0"). In summary, the available evidence is currently insufficient to determine the role of this variant in disease. Therefore, it has been classified as a Variant of Uncertain Significance.

Molecular Genetics Laboratory, London Health Sciences Centre
Classification: Uncertain significance for Charcot-Marie-Tooth disease. Review status: criteria provided, single submitter. Criteria: ACMG Guidelines, 2015. Collection method: clinical testing. Allele origin: germline. Affected: yes.

NM_170707.4(LMNA):c.1961G>A (p.Arg654Gln)

Gene: LMNA (lamin A/C; plus strand). Cytogenetic location: 1q22.
Variant type: single nucleotide variant.
Coding change: c.1961G>A on transcript NM_170707.4 (MANE Select); coding-DNA position 1961, G replaced by A.
Protein change: p.Arg654Gln; replaces arginine 654 with glutamine.
Molecular consequence: missense variant. On other transcripts: intron variant (1).
Genome position (GRCh38, 1-based): chr1:156,138,750, G>A. VCF-style: chr1-156138750-G-A. GRCh37 (hg19) VCF-style: chr1-156108541-G-A.
Other names: c.1337G>A, p.Arg446Gln (NM_001406999.1, NM_001407000.1, NM_001407001.1 and 1 more transcripts); c.1871G>A, p.Arg624Gln (NM_170708.4); c.1818+143G>A (NM_001282626.2); c.1625G>A, p.Arg542Gln (NM_001257374.3, NM_001406989.1); c.1961G>A, p.Arg654Gln (NM_001406983.1, NM_001406985.1, NM_001406991.1); c.1718G>A, p.Arg573Gln (NM_001406986.1, NM_001406987.1); c.1664G>A, p.Arg555Gln (NM_001406988.1); c.1403G>A, p.Arg468Gln (NM_001406990.1, NM_001406993.1, NM_001406995.1 and 2 more transcripts); short protein forms R542Q, R624Q, R654Q, R468Q, R446Q, R555Q, R573Q.
Identifiers: ClinVar variation 916766 (VCV000916766.12), dbSNP rs768986279, ClinGen allele CA051755.
Genomic context (GRCh38, chr1:156,138,750, plus strand): 5'-GTGGCAGCTTCGGGGACAATCTGGTCACCCGCTCCTACCTCCTGGGCAACTCCAGCCCCC[G>A]AACCCAGGTGAGTTGTCTCTGCTTTGTCTCCAAATCCTGCAGGCGGGTCCCTGGTCATCG-3'
Protein context (NP_733821.1, residues 644-664): RSYLLGNSSP[Arg654Gln]TQSPQNCSIM